The following is an entry in ClinVar:

ClinVar aggregate classification (germline): Benign/Likely benign. Review status: criteria provided, multiple submitters, no conflicts (2 of 4 stars). 5 submissions from 5 submitters: Benign (4); Likely benign (1). Last evaluated 2025-12-06.

Conditions:
Luscan-Lumish syndrome. Identifiers: Orphanet 597738, MedGen C4085873, MONDO:0014791, OMIM 616831.

Allele frequency attached by ClinVar (database versions not stated): ESP Exome Variant Server 0.00008; 1000 Genomes Project 0.00020; TOPMed 0.00025; gnomAD 0.00028 and 0.00030; 1000 Genomes Project 30x 0.00031; gnomAD exomes 0.00036 and 0.00040; ExAC 0.00046.
gnomAD v4.1: 531 of 1,391,268 alleles (0.038%); highest among the groups gnomAD compares: South Asian, 0.14%; 2 homozygotes.

Submissions (5):

Labcorp Genetics (formerly Invitae), Labcorp
Classification: Benign for Luscan-Lumish syndrome. Last evaluated: 2025-12-06. Review status: criteria provided, single submitter. Criteria: Invitae Variant Classification Sherloc (09022015). Collection method: clinical testing. Allele origin: germline.

Blueprint Genetics
Classification: Likely benign. Last evaluated: 2024-11-26. Review status: criteria provided, single submitter. Criteria: ACMG Guidelines, 2015. Collection method: clinical testing. Allele origin: germline.

Genome-Nilou Lab
Classification: Benign for Luscan-Lumish syndrome. Last evaluated: 2022-03-15. Review status: criteria provided, single submitter. Criteria: ACMG Guidelines, 2015. Collection method: clinical testing. Allele origin: germline. Affected: no.

Centre for Mendelian Genomics, University Medical Centre Ljubljana
Classification: Benign for Luscan-Lumish syndrome. Last evaluated: 2019-02-14. Review status: criteria provided, single submitter. Criteria: ACMG Guidelines, 2015. Collection method: clinical testing. Allele origin: unknown. Affected: yes.
Comment: This variant was classified as: Benign. The following ACMG criteria were applied in classifying this variant: BS1,BS2.

Breakthrough Genomics
Classification: Benign. Review status: criteria provided, single submitter. Criteria: ACMG Guidelines, 2015. Collection method: not provided. Allele origin: germline. Inheritance: Autosomal dominant inheritance. Affected: yes.

NM_014159.7(SETD2):c.4918-20G>C

Gene: SETD2 (SET domain containing 2, histone lysine methyltransferase; minus strand). Cytogenetic location: 3p21.31.
Variant type: single nucleotide variant.
Coding change: c.4918-20G>C on transcript NM_014159.7 (MANE Select); 20 bases into the intron before coding-DNA position 4918, G replaced by C.
Molecular consequence: intron variant.
Genome position (GRCh38, 1-based): chr3:47,101,575, C>G on the plus strand (G>C on the coding strand, the complement: SETD2 is on the minus strand). VCF-style: chr3-47101575-C-G. GRCh37 (hg19) VCF-style: chr3-47143065-C-G.
Other names: c.4786-20G>C (NM_001349370.3).
Identifiers: ClinVar variation 931838 (VCV000931838.14), dbSNP rs375933330, ClinGen allele CA2363024.
Genomic context (GRCh38, chr3:47,101,575, plus strand): 5'-GTGGTAAAAAACCCAACCCTCAGTTGTCCGTTCACAGTCCACTGAGATGATGTTTGAAAA[C>G]AAAAGAAATTAGTAACTTATTAGTGTGTGTGTGTGTGTGTGTGTGTGTGTGTGTGTGTGC-3'